The following is an entry in ClinVar:

NM_174878.3(CLRN1):c.433+1G>C

Gene: CLRN1 (clarin 1; minus strand). Cytogenetic location: 3q25.1.
Variant type: single nucleotide variant.
Coding change: c.433+1G>C on transcript NM_174878.3 (MANE Select); the canonical splice donor site of the intron after coding-DNA position 433, G replaced by C.
Molecular consequence: splice donor variant.
Genome position (GRCh38, 1-based): chr3:150,941,581, C>G on the plus strand (G>C on the coding strand, the complement: CLRN1 is on the minus strand). VCF-style: chr3-150941581-C-G. GRCh37 (hg19) VCF-style: chr3-150659368-C-G.
Other names: c.205+1G>C (NM_052995.2); c.433+1G>C (NM_001195794.1); c.*47+1G>C (NM_001256819.2).
Identifiers: ClinVar variation 1453129 (VCV001453129.8), dbSNP rs201205811, ClinGen allele CA354955250.

ClinVar aggregate classification (germline): Pathogenic (1 of 4 stars; one submission).

Submission:

Labcorp Genetics (formerly Invitae), Labcorp
Classification: Pathogenic. Last evaluated: 2021-05-20. Review status: criteria provided, single submitter. Criteria: Invitae Variant Classification Sherloc (09022015). Collection method: clinical testing. Allele origin: germline.
Comment: This sequence change affects a donor splice site in intron 2 of the CLRN1 gene. While this variant is not anticipated to result in nonsense mediated decay, it likely alters RNA splicing and results in a disrupted protein product. For these reasons, this variant has been classified as Pathogenic. This variant disrupts the C-terminus of the CLRN1 protein. Other variant(s) that disrupt this region (p.Arg207*) have been determined to be pathogenic (PMID: 22952768, 23304067, 26338283). This suggests that variants that disrupt this region of the protein are likely to be causative of disease. This variant is not present in population databases (ExAC no frequency). Disruption of this splice site has been observed in individual(s) with CLRN1-related conditions (PMID: 31968401). Nucleotide substitutions within the consensus splice site are a relatively common cause of aberrant splicing (PMID: 17576681, 9536098). Algorithms developed to predict the effect of sequence changes on RNA splicing suggest that this variant may disrupt the consensus splice site, but this prediction has not been confirmed by published transcriptional studies.

Literature cited by the submitters: PubMed 22952768; PubMed 23304067; PubMed 26338283; PubMed 31968401; PubMed 17576681; PubMed 9536098.